The following is an entry in ClinVar:

ClinVar aggregate classification (germline): Likely benign (1 of 4 stars; one submission).

Allele frequency attached by ClinVar (database versions not stated): 1000 Genomes Project 0.01158.
gnomAD v4.1: 1,629 of 152,170 alleles (1.1%); highest among the groups gnomAD compares: African/African-American, 3.8%; 35 homozygotes.

Submission:

GeneDx
Classification: Likely benign. Last evaluated: 2021-03-15. Review status: criteria provided, single submitter. Criteria: GeneDx Variant Classification Process June 2021. Collection method: clinical testing. Allele origin: germline. Affected: yes.
Comment: See Variant Classification Assertion Criteria.

NM_030943.4(AMN):c.207+157G>T

Gene: AMN (amnion associated transmembrane protein; plus strand). Cytogenetic location: 14q32.32.
Variant type: single nucleotide variant.
Coding change: c.207+157G>T on transcript NM_030943.4 (MANE Select); 157 bases into the intron after coding-DNA position 207, G replaced by T.
Molecular consequence: intron variant.
Genome position (GRCh38, 1-based): chr14:102,924,136, G>T. VCF-style: chr14-102924136-G-T. GRCh37 (hg19) VCF-style: chr14-103390473-G-T.
Identifiers: ClinVar variation 1706700 (VCV001706700.2), dbSNP rs74082982, ClinGen allele CA267173476.